The following is an entry in ClinVar:

ClinVar aggregate classification (germline): Pathogenic. Review status: criteria provided, multiple submitters, no conflicts (2 of 4 stars). 7 submissions from 7 submitters: Pathogenic (7). Last evaluated 2024-05-06.

Conditions:
Corneal dystrophy, Fuchs endothelial, 3 (FECD3). Also called: FCD2 LOCUS. Identifiers: Orphanet 98974, MedGen C2750451, MONDO:0013203, OMIM 613267.
Pitt-Hopkins syndrome (PTHS). Also called: ENCEPHALOPATHY, SEVERE EPILEPTIC, WITH AUTONOMIC DYSFUNCTION; MENTAL RETARDATION, SYNDROMAL, WITH INTERMITTENT HYPERVENTILATION. Identifiers: Orphanet 2896, MedGen C1970431, MONDO:0012589, OMIM 610954.
Intellectual disability. Also called: Intellectual developmental disorder; Intellectual functioning disability; intellectual disabilities. Identifiers: MedGen C3714756, MeSH D008607, MONDO:0001071, HP:0001249.

Submissions (7):

Labcorp Genetics (formerly Invitae), Labcorp
Classification: Pathogenic for Pitt-Hopkins syndrome. Last evaluated: 2024-05-06. Review status: criteria provided, single submitter. Criteria: Invitae Variant Classification Sherloc (09022015). Collection method: clinical testing. Allele origin: germline.
Comment: This sequence change creates a premature translational stop signal (p.Arg174*) in the TCF4 gene. It is expected to result in an absent or disrupted protein product. Loss-of-function variants in TCF4 are known to be pathogenic (PMID: 18728071, 22045651). This variant is not present in population databases (gnomAD no frequency). This premature translational stop signal has been observed in individual(s) with Pitt-Hopkins syndrome (PMID: 26993267). ClinVar contains an entry for this variant (Variation ID: 235853). For these reasons, this variant has been classified as Pathogenic.

GeneDx
Classification: Pathogenic. Last evaluated: 2022-04-04. Review status: criteria provided, single submitter. Criteria: GeneDx Variant Classification Process June 2021. Collection method: clinical testing. Allele origin: germline. Affected: yes.
Comment: Nonsense variant predicted to result in protein truncation or nonsense mediated decay in a gene for which loss-of-function is a known mechanism of disease; Not observed in large population cohorts (gnomAD); This variant is associated with the following publications: (PMID: 28807867, 22045651, 31278258, 30830316, 26993267, 25167861, 33084218, 31785789)

CeGaT Center for Human Genetics Tuebingen
Classification: Pathogenic. Last evaluated: 2022-04-01. Review status: criteria provided, single submitter. Criteria: CeGaT Center For Human Genetics Tuebingen Variant Classification Criteria Version 2. Collection method: clinical testing. Allele origin: germline. Affected: yes. Observed: 1 variant allele.
Comment: TCF4: PVS1, PM2, PS2:Supporting, PS4:Supporting

Centre for Mendelian Genomics, University Medical Centre Ljubljana
Classification: Pathogenic for Pitt-Hopkins syndrome. Last evaluated: 2018-10-25. Review status: criteria provided, single submitter. Criteria: ACMG Guidelines, 2015. Collection method: clinical testing. Allele origin: unknown. Affected: yes.
Comment: This variant was classified as: Pathogenic. The following ACMG criteria were applied in classifying this variant: PVS1,PM2,PP5.

Diagnostic Laboratory, Strasbourg University Hospital
Classification: Pathogenic for Intellectual disability. Last evaluated: 2014-07-25. Review status: criteria provided, single submitter. Criteria: submitter's publication. Collection method: clinical testing. Allele origin: de novo. Affected: yes. Observed: 1 variant allele, 1 heterozygote.

Center for Genomics, Ann and Robert H. Lurie Children's Hospital of Chicago
Classification: Pathogenic for Pitt-Hopkins syndrome; Corneal dystrophy, Fuchs endothelial, 3. Review status: criteria provided, single submitter. Criteria: ACMG Guidelines, 2015. Collection method: clinical testing. Allele origin: germline.
Comment: This variant has been reported in the literature in 7 individuals, including as a de novo variants in at least 3 individuals (Selected publications: Redin 2014 PMID: 25167861; Trump 2016 PMID: 26993267; Turner 2019 PMID: 31785789). This variant is not present in large control databases but is present in ClinVar, with multiple labs classifying it as pathogenic (Variation ID: 235853). Evolutionary conservation and computational predictive tools for this variant are limited or unavailable. This variant is predicted to cause a stopgain at this codon, resulting in protein truncation or loss of allelic expression through nonsense mediated mRNA decay. Loss of function variants are a known mechanism of disease for this gene (Bedeschi 2017 PMID: 28807867). In summary, this variant is classified as pathogenic.

Juno Genomics, Hangzhou Juno Genomics, Inc
Classification: Pathogenic for Pitt-Hopkins syndrome. Review status: criteria provided, single submitter. Criteria: ACMG Guidelines, 2015. Collection method: clinical testing. Allele origin: germline. Affected: yes.
Comment: Absent from controls (or at extremely low frequency if recessive) in Genome Aggregation Database, Exome Sequencing Project, 1000 Genomes Project, or Exome Aggregation Consortium.;Null variant in a gene where loss of function (LOF) is a known mechanism of disease.;The prevalence of the variant in affected individuals is significantly increased compared to the prevalence in controls.

Literature cited by the submitters: PubMed 18728071 (cited by Labcorp Genetics (formerly Invitae), Labcorp); PubMed 22045651 (cited by Labcorp Genetics (formerly Invitae), Labcorp); PubMed 26993267 (cited by Labcorp Genetics (formerly Invitae), Labcorp).

NM_001083962.2(TCF4):c.520C>T (p.Arg174Ter)

Gene: TCF4 (transcription factor 4; minus strand). Cytogenetic location: 18q21.2.
Variant type: single nucleotide variant.
Coding change: c.520C>T on transcript NM_001083962.2 (MANE Select); coding-DNA position 520, C replaced by T.
Protein change: p.Arg174Ter; replaces arginine 174 with a stop codon.
Molecular consequence: nonsense.
Genome position (GRCh38, 1-based): chr18:55,350,388, G>A on the plus strand (C>T on the coding strand, the complement: TCF4 is on the minus strand). VCF-style: chr18-55350388-G-A. GRCh37 (hg19) VCF-style: chr18-53017619-G-A.
Other names: c.448C>T, p.Arg150Ter (NM_001348219.2, NM_001243227.2, NM_001306207.1 and 9 more transcripts); c.445C>T, p.Arg149Ter (NM_001348220.1, NM_001369576.1, NM_001369578.1 and 3 more transcripts); c.520C>T, p.Arg174Ter (NM_001369567.1, NM_001369568.1, NM_001369571.1 and 5 more transcripts); c.517C>T, p.Arg173Ter (NM_001369569.1, NM_001369570.1, NM_001369573.1); c.826C>T, p.Arg276Ter (NM_001243226.3); c.514C>T, p.Arg172Ter (NM_001243230.2); c.394C>T, p.Arg132Ter (NM_001243231.2, NM_001348211.2); c.307C>T, p.Arg103Ter (NM_001243232.1, NM_001306208.1); and 1 more; short protein forms R174*, R103*, R172*, R173*, R150*, R149*, R132*, R276*.
Identifiers: ClinVar variation 235853 (VCV000235853.50), dbSNP rs878853149, ClinGen allele CA10581459.